The following is an entry in ClinVar:

ClinVar aggregate classification (germline): Uncertain significance (1 of 4 stars; one submission).

Conditions:
Alstrom syndrome (ALMS). Identifiers: Orphanet 64, MedGen C0268425, MONDO:0008763, OMIM 203800.

Submission:

Labcorp Genetics (formerly Invitae), Labcorp
Classification: Uncertain significance for Alstrom syndrome. Last evaluated: 2023-12-11. Review status: criteria provided, single submitter. Criteria: Invitae Variant Classification Sherloc (09022015). Collection method: clinical testing. Allele origin: germline.
Comment: This sequence change replaces serine, which is neutral and polar, with phenylalanine, which is neutral and non-polar, at codon 2558 of the ALMS1 protein (p.Ser2558Phe). This variant is not present in population databases (gnomAD no frequency). This variant has not been reported in the literature in individuals affected with ALMS1-related conditions. ClinVar contains an entry for this variant (Variation ID: 241011). Experimental studies and prediction algorithms are not available or were not evaluated, and the functional significance of this variant is currently unknown. In summary, the available evidence is currently insufficient to determine the role of this variant in disease. Therefore, it has been classified as a Variant of Uncertain Significance.

NM_001378454.1(ALMS1):c.7670C>T (p.Ser2557Phe)

Gene: ALMS1 (ALMS1 centrosome and basal body associated protein; plus strand). Cytogenetic location: 2p13.1.
Variant type: single nucleotide variant.
Coding change: c.7670C>T on transcript NM_001378454.1 (MANE Select); coding-DNA position 7670, C replaced by T.
Protein change: p.Ser2557Phe; replaces serine 2557 with phenylalanine.
Molecular consequence: missense variant.
Genome position (GRCh38, 1-based): chr2:73,455,291, C>T. VCF-style: chr2-73455291-C-T. GRCh37 (hg19) VCF-style: chr2-73682418-C-T.
Other names: c.7673C>T, p.Ser2558Phe (NM_015120.4); short protein forms S2558F, S2557F.
Identifiers: ClinVar variation 241011 (VCV000241011.7), dbSNP rs878855001, ClinGen allele CA10582102.